The following is an entry in ClinVar:

NM_003907.3(EIF2B5):c.1956C>T (p.Phe652=)

Gene: EIF2B5 (eukaryotic translation initiation factor 2B subunit epsilon; plus strand). Cytogenetic location: 3q27.1.
Variant type: single nucleotide variant.
Coding change: c.1956C>T on transcript NM_003907.3 (MANE Select); coding-DNA position 1956, C replaced by T.
Protein change: p.Phe652=; no amino-acid change (phenylalanine 652 retained).
Molecular consequence: synonymous variant.
Genome position (GRCh38, 1-based): chr3:184,144,185, C>T. VCF-style: chr3-184144185-C-T. GRCh37 (hg19) VCF-style: chr3-183861973-C-T.
Other names: p.Phe652=.
Identifiers: ClinVar variation 779329 (VCV000779329.42), dbSNP rs149264256, ClinGen allele CA2726854.

ClinVar aggregate classification (germline): Conflicting classifications of pathogenicity. Review status: criteria provided, conflicting classifications (1 of 4 stars). 7 submissions from 7 submitters: Uncertain significance (2); Likely benign (3). 2 of the submissions do not count toward it. Last evaluated 2026-01-28.

Conditions:
Vanishing white matter disease. Also called: Childhood ataxia with diffuse central nervous system hypomyelination; Leukoencephalopathy with vanishing white matter; CACH/VWM syndrome; Cree leukoencehalopathy; CACH syndrome. Identifiers: Orphanet 135, Orphanet 99853, MedGen C1858991, MONDO:0800448.
EIF2B5-related disorder. Also called: EIF2B5-related condition.

Allele frequency attached by ClinVar (database versions not stated): 1000 Genomes Project 30x 0.00016; 1000 Genomes Project 0.00020; gnomAD exomes 0.00049 and 0.00094; ExAC 0.00054; gnomAD 0.00056; TOPMed 0.00060; ESP Exome Variant Server 0.00092.
gnomAD v4.1: 1,466 of 1,614,240 alleles (0.091%); highest among the groups gnomAD compares: Non-Finnish European, 0.12%; 2 homozygotes.

Submissions (7):

Labcorp Genetics (formerly Invitae), Labcorp
Classification: Likely benign. Last evaluated: 2026-01-28. Review status: criteria provided, single submitter. Criteria: Invitae Variant Classification Sherloc (09022015). Collection method: clinical testing. Allele origin: germline.

Mayo Clinic Laboratories, Mayo Clinic
Classification: Likely benign. Last evaluated: 2025-06-09. Review status: criteria provided, single submitter. Criteria: ACMG Guidelines, 2015. Collection method: clinical testing. Allele origin: germline. Observed: 2 variant alleles.
Comment: BS1, BP4, BP7

CeGaT Center for Human Genetics Tuebingen
Classification: Uncertain significance. Last evaluated: 2025-05-01. Review status: criteria provided, single submitter. Criteria: CeGaT Center For Human Genetics Tuebingen Variant Classification Criteria Version 2. Collection method: clinical testing. Allele origin: germline. Affected: yes. Observed: 2 variant alleles.
Comment: EIF2B5: PM2:Supporting, BP4

Blueprint Genetics
Classification: Likely benign. Last evaluated: 2024-11-22. Review status: criteria provided, single submitter. Criteria: ACMG Guidelines, 2015. Collection method: clinical testing. Allele origin: germline.

Illumina Laboratory Services, Illumina
Classification: Uncertain significance for Leukoencephalopathy with vanishing white matter 1. Last evaluated: 2018-01-12. Review status: criteria provided, single submitter. Criteria: ICSL Variant Classification Criteria 13 December 2019. Collection method: clinical testing. Allele origin: germline.

Natera, Inc.
Classification: Likely benign for Leukoencephalopathy with vanishing white matter. Last evaluated: 2020-05-02. Review status: no assertion criteria provided. Collection method: clinical testing. Allele origin: germline. Not counted in ClinVar's aggregate classification.

PreventionGenetics, part of Exact Sciences
Classification: Likely benign for EIF2B5-related condition. Last evaluated: 2019-08-29. Review status: no assertion criteria provided. Collection method: clinical testing. Allele origin: germline. Not counted in ClinVar's aggregate classification.
Comment: This variant is classified as likely benign based on ACMG/AMP sequence variant interpretation guidelines (Richards et al. 2015 PMID: 25741868, with internal and published modifications).